The following is an entry in ClinVar:

NM_000093.5(COL5A1):c.1292G>A (p.Gly431Glu)

Gene: COL5A1 (collagen type V alpha 1 chain; plus strand). Cytogenetic location: 9q34.3.
Variant type: single nucleotide variant.
Coding change: c.1292G>A on transcript NM_000093.5 (MANE Select); coding-DNA position 1292, G replaced by A.
Protein change: p.Gly431Glu; replaces glycine 431 with glutamic acid.
Molecular consequence: missense variant.
Genome position (GRCh38, 1-based): chr9:134,731,623, G>A. VCF-style: chr9-134731623-G-A. GRCh37 (hg19) VCF-style: chr9-137623469-G-A.
Other names: c.1292G>A, p.Gly431Glu (NM_001278074.1); short protein forms G431E.
Identifiers: ClinVar variation 648137 (VCV000648137.17), dbSNP rs370311038, ClinGen allele CA5318701.

ClinVar aggregate classification (germline): Conflicting classifications of pathogenicity. Review status: criteria provided, conflicting classifications (1 of 4 stars). 4 submissions from 4 submitters: Uncertain significance (2); Likely benign (2). Last evaluated 2026-01-17.

Conditions:
Ehlers-Danlos syndrome, classic type, 1 (EDSCL1). Also called: EDS I; EHLERS-DANLOS SYNDROME, GRAVIS TYPE; EHLERS-DANLOS SYNDROME, SEVERE CLASSIC TYPE; Ehlers-Danlos Syndrome, Classic Type, COL5A1-Related; Ehlers-Danlos syndrome, type 1. Identifiers: MedGen C0268335, MONDO:0019567, OMIM 130000.
Familial thoracic aortic aneurysm and aortic dissection (TAAD). Also called: Thoracic aortic aneurysms and dissections. Identifiers: Orphanet 91387, MedGen C4707243, MONDO:0019625.

Allele frequency attached by ClinVar (database versions not stated): gnomAD exomes 0.00003 and 0.00006; gnomAD 0.00004; TOPMed 0.00005; ExAC 0.00008; ESP Exome Variant Server 0.00023.
gnomAD v4.1: 54 of 1,613,968 alleles (0.0033%); highest among the groups gnomAD compares: Non-Finnish European, 0.0028%; no homozygotes.

Submissions (4):

Labcorp Genetics (formerly Invitae), Labcorp
Classification: Likely benign for Ehlers-Danlos syndrome, classic type, 1. Last evaluated: 2026-01-17. Review status: criteria provided, single submitter. Criteria: Invitae Variant Classification Sherloc (09022015). Collection method: clinical testing. Allele origin: germline.

Ambry Genetics
Classification: Uncertain significance for Familial thoracic aortic aneurysm and aortic dissection. Last evaluated: 2024-08-10. Review status: criteria provided, single submitter. Criteria: Ambry Variant Classification Scheme 2023. Collection method: clinical testing. Allele origin: germline.
Comment: The p.G431E variant (also known as c.1292G>A), located in coding exon 8 of the COL5A1 gene, results from a G to A substitution at nucleotide position 1292. The glycine at codon 431 is replaced by glutamic acid, an amino acid with similar properties. This amino acid position is highly conserved in available vertebrate species. In addition, the in silico prediction for this alteration is inconclusive. Based on the available evidence, the clinical significance of this variant remains unclear.

GeneDx
Classification: Uncertain significance. Last evaluated: 2024-01-18. Review status: criteria provided, single submitter. Criteria: GeneDx Variant Classification Process June 2021. Collection method: clinical testing. Allele origin: germline. Affected: yes.
Comment: Not located in the triple helical region, where the majority of pathogenic missense variants occur (PMID: 22696272, HGMD); In silico analysis supports that this missense variant has a deleterious effect on protein structure/function; This variant is associated with the following publications: (PMID: 20308875, 22696272)

Women's Health and Genetics/Laboratory Corporation of America, LabCorp
Classification: Likely benign. Last evaluated: 2023-12-19. Review status: criteria provided, single submitter. Criteria: LabCorp Variant Classification Summary - May 2015. Collection method: clinical testing. Allele origin: germline.
Comment: Variant summary: COL5A1 c.1292G>A (p.Gly431Glu) results in a non-conservative amino acid change in the encoded protein sequence. Four of five in-silico tools predict a damaging effect of the variant on protein function. The variant allele was found at a frequency of 5.6e-05 in 248878 control chromosomes (gnomAD). The observed variant frequency is approximately 1.8 fold of the estimated maximal expected allele frequency for a pathogenic variant in COL5A1 causing Ehlers-Danlos Syndrome phenotype (3.1e-05), strongly suggesting that the variant is benign. c.1292G>A has been reported in the literature in an individual affected with short stature, severe aortic root dilation, skin hyperextensibility, extreme joint laxity and craniofacial dysmorphism (Verstraeten_2010). However, the variant was also found in their unaffected father and siblings. This report does not provide unequivocal conclusions about association of the variant with Ehlers-Danlos Syndrome. To our knowledge, no experimental evidence demonstrating an impact on protein function has been reported. The following publication has been ascertained in the context of this evaluation (PMID: 20308875). Two submitters have cited clinical-significance assessments for this variant to ClinVar after 2014. One submitter classified the variant as likely benign, and one submitter classified the variant as uncertain significance. Based on the evidence outlined above, the variant was classified as likely benign.

Literature cited by the submitters: PubMed 20308875 (cited by Women's Health and Genetics/Laboratory Corporation of America, LabCorp).